The following is an entry in ClinVar:

NM_022114.4(PRDM16):c.3487G>A (p.Ala1163Thr)

Gene: PRDM16 (PR/SET domain 16; plus strand). Cytogenetic location: 1p36.32.
Variant type: single nucleotide variant.
Coding change: c.3487G>A on transcript NM_022114.4 (MANE Select); coding-DNA position 3487, G replaced by A.
Protein change: p.Ala1163Thr; replaces alanine 1163 with threonine.
Molecular consequence: missense variant.
Genome position (GRCh38, 1-based): chr1:3,431,074, G>A. VCF-style: chr1-3431074-G-A. GRCh37 (hg19) VCF-style: chr1-3347638-G-A.
Other names: c.3487G>A, p.Ala1163Thr (NM_199454.3); short protein forms A1163T.
Identifiers: ClinVar variation 474431 (VCV000474431.10), dbSNP rs747460948, ClinGen allele CA544880.
Genomic context (GRCh38, chr1:3,431,074, plus strand): 5'-GTGTCCCCCGCACCCGAGCCCCAGGCCGCCTACGAGGATGAGGAGGATGAGGAGCCAGCC[G>A]CCTCCCTGGCCGTGGGCTTTGACCACACCCGAAGGTGGGGGCAGCCGTGTGCTCCAGGAT-3'
Protein context (NP_071397.3, residues 1153-1173): YEDEEDEEPA[Ala1163Thr]SLAVGFDHTR

ClinVar aggregate classification (germline): Uncertain significance (1 of 4 stars; one submission).

Conditions:
Left ventricular noncompaction 8 (LVNC8). Identifiers: Orphanet 154, Orphanet 54260, MedGen C3809288, MONDO:0014152, OMIM 615373.

Allele frequency attached by ClinVar (database versions not stated): TOPMed 0.00002; ExAC 0.00005.
gnomAD v4.1: 74 of 1,552,316 alleles (0.0048%); highest among the groups gnomAD compares: Non-Finnish European, 0.0059%; 1 homozygote.

Submission:

Labcorp Genetics (formerly Invitae), Labcorp
Classification: Uncertain significance for Left ventricular noncompaction 8. Last evaluated: 2025-10-22. Review status: criteria provided, single submitter. Criteria: Invitae Variant Classification Sherloc (09022015). Collection method: clinical testing. Allele origin: germline.
Comment: This sequence change replaces alanine, which is neutral and non-polar, with threonine, which is neutral and polar, at codon 1163 of the PRDM16 protein (p.Ala1163Thr). This variant is present in population databases (rs747460948, gnomAD 0.006%). This variant has not been reported in the literature in individuals affected with PRDM16-related conditions. ClinVar contains an entry for this variant (Variation ID: 474431). An algorithm developed to predict the effect of missense changes on protein structure and function outputs the following: PolyPhen-2: "Benign". The threonine amino acid residue is found in multiple mammalian species, which suggests that this missense change does not adversely affect protein function. In summary, the available evidence is currently insufficient to determine the role of this variant in disease. Therefore, it has been classified as a Variant of Uncertain Significance.